The following is an entry in ClinVar:

ClinVar aggregate classification (germline): Benign. Review status: criteria provided, multiple submitters, no conflicts (2 of 4 stars). 3 submissions from 3 submitters: Benign (2). 1 of the submissions does not count toward it. Last evaluated 2021-07-14.

Conditions:
Acyl-CoA dehydrogenase 9 deficiency. Also called: Acyl-CoA dehydrogenase family, member 9, deficiency of; MITOCHONDRIAL COMPLEX I DEFICIENCY, NUCLEAR TYPE 20. Identifiers: Orphanet 99901, MedGen C4747517, MONDO:0012624, OMIM 611126.

Submissions (3):

Genome-Nilou Lab
Classification: Benign for Acyl-CoA dehydrogenase 9 deficiency. Last evaluated: 2021-07-14. Review status: criteria provided, single submitter. Criteria: ACMG Guidelines, 2015. Collection method: clinical testing. Allele origin: germline. Affected: no.

GeneDx
Classification: Benign. Last evaluated: 2018-06-19. Review status: criteria provided, single submitter. Criteria: GeneDx Variant Classification (06012015). Collection method: clinical testing. Allele origin: germline. Affected: yes.
Comment: This variant is considered likely benign or benign based on one or more of the following criteria: it is a conservative change, it occurs at a poorly conserved position in the protein, it is predicted to be benign by multiple in silico algorithms, and/or has population frequency not consistent with disease.

Natera, Inc.
Classification: Benign for ACAD9 deficiency. Last evaluated: 2020-09-16. Review status: no assertion criteria provided. Collection method: clinical testing. Allele origin: germline. Not counted in ClinVar's aggregate classification.

NM_014049.5(ACAD9):c.-65GT[4]

Gene: ACAD9 (acyl-CoA dehydrogenase family member 9; plus strand). Cytogenetic location: 3q21.3.
Variant type: Microsatellite.
Coding change: c.-65GT[4] on transcript NM_014049.5 (MANE Select); four copies in a row of the 2-base unit GT starting at c.-65; the reference has five copies in a row; one copy, 2 bases deleted.
Molecular consequence: 5 prime UTR variant. On other transcripts: non-coding transcript variant (1).
Genome position (GRCh38, 1-based): chr3:128,879,635-128,879,636, GT deleted; deleting any 2 consecutive bases within chr3:128,879,627-128,879,636 gives the same sequence; the position shown is the placement nearest the transcript's 3' end. VCF-style (leftmost placement, unchanged base first): chr3-128879626-CGT-C. GRCh37 (hg19) VCF-style: chr3-128598469-CGT-C.
Other names: c.-65_-64delGT (NM_014049.4); c.-57_-56delGT (NM_014049.5); c.-65_-64GT[4] (NM_014049.5).
Identifiers: ClinVar variation 343189 (VCV000343189.10), dbSNP rs397874507, ClinGen allele CA2600962.